The following is an entry in ClinVar:

ClinVar aggregate classification (germline): Uncertain significance (1 of 4 stars; one submission).

Conditions:
Polycystic kidney disease, adult type (PKD1). Also called: Polycystic Kidney, Autosomal Dominant; POLYCYSTIC KIDNEY DISEASE, ADULT, TYPE I; Polycystic Kidney Disease 1, Autosomal Dominant; Polycystic kidney disease 1; Polycystic kidney disease 1, severe; POLYCYSTIC KIDNEY DISEASE 1 WITH OR WITHOUT POLYCYSTIC LIVER DISEASE. Identifiers: MedGen C3149841, MONDO:0008263, OMIM 173900.

Submission:

Victorian Clinical Genetics Services, Murdoch Childrens Research Institute
Classification: Uncertain significance for Polycystic kidney disease, adult type. Last evaluated: 2025-08-05. Review status: criteria provided, single submitter. Criteria: ACMG Guidelines, 2015. Collection method: clinical testing. Allele origin: germline. Affected: yes.
Comment: This variant is classified as VUS-3A. Evidence in support of pathogenic classification: Variant is present in gnomAD <0.001 for a dominant condition (v4: 3 heterozygote(s), 0 homozygote(s)). Additional information: Variant is predicted to result in a missense amino acid change from Glu to Lys; This variant is heterozygous; This gene is associated with autosomal dominant disease. Polycystic kidney disease 1 (MIM#173900) is predominantly caused by monoallelic variants, with rare reports of biallelic variants causing disease (OMIM); Alternative amino acid change(s) at the same position are present in gnomAD (Highest allele count: v4: 4 heterozygote(s), 0 homozygote(s)); This variant has no previous evidence of pathogenicity; No published evidence of segregation with disease has been identified for this variant; No published functional evidence has been identified for this variant; No comparable missense variants have previous evidence for pathogenicity; Variant is not located in an established domain, motif, hotspot or informative constraint region; Missense variant with inconclusive in silico prediction and uninformative conservation; Loss of function is a known mechanism of disease in this gene and is associated with polycystic kidney disease 1 (MIM#173900); Inheritance information for this variant is not currently available in this individual.

NM_001009944.3(PKD1):c.7861G>A (p.Glu2621Lys)

Gene: PKD1 (polycystin 1, transient receptor potential channel interacting; minus strand). Cytogenetic location: 16p13.3.
Variant type: single nucleotide variant.
Coding change: c.7861G>A on transcript NM_001009944.3 (MANE Select); coding-DNA position 7861, G replaced by A.
Protein change: p.Glu2621Lys; replaces glutamic acid 2621 with lysine.
Molecular consequence: missense variant.
Genome position (GRCh38, 1-based): chr16:2,105,867, C>T on the plus strand (G>A on the coding strand, the complement: PKD1 is on the minus strand). VCF-style: chr16-2105867-C-T. GRCh37 (hg19) VCF-style: chr16-2155868-C-T.
Other names: c.7861G>A, p.Glu2621Lys (NM_000296.4); short protein forms E2621K.
Identifiers: ClinVar variation 4531554 (VCV004531554.1).